The following is an entry in ClinVar:

NM_005733.3(KIF20A):c.1088G>A (p.Arg363His)

Gene: KIF20A (kinesin family member 20A; plus strand). Cytogenetic location: 5q31.2.
Variant type: single nucleotide variant.
Coding change: c.1088G>A on transcript NM_005733.3 (MANE Select); coding-DNA position 1088, G replaced by A.
Protein change: p.Arg363His; replaces arginine 363 with histidine.
Molecular consequence: missense variant.
Genome position (GRCh38, 1-based): chr5:138,183,530, G>A. VCF-style: chr5-138183530-G-A. GRCh37 (hg19) VCF-style: chr5-137519219-G-A.
Other names: short protein forms R363H.
Identifiers: ClinVar variation 1516310 (VCV001516310.6), dbSNP rs199833523, ClinGen allele CA128185505.

ClinVar aggregate classification (germline): Uncertain significance (1 of 4 stars; one submission).

Allele frequency attached by ClinVar (database versions not stated): gnomAD exomes 0.00001; TOPMed 0.00005; gnomAD 0.00006 and 0.00007.

Submission:

Labcorp Genetics (formerly Invitae), Labcorp
Classification: Uncertain significance. Last evaluated: 2021-11-03. Review status: criteria provided, single submitter. Criteria: Invitae Variant Classification Sherloc (09022015). Collection method: clinical testing. Allele origin: germline.
Comment: This sequence change replaces arginine, which is basic and polar, with histidine, which is basic and polar, at codon 363 of the KIF20A protein (p.Arg363His). This variant is present in population databases (rs199833523, gnomAD 0.009%). This variant has not been reported in the literature in individuals affected with KIF20A-related conditions. Algorithms developed to predict the effect of missense changes on protein structure and function (SIFT, PolyPhen-2, Align-GVGD) all suggest that this variant is likely to be disruptive. In summary, the available evidence is currently insufficient to determine the role of this variant in disease. Therefore, it has been classified as a Variant of Uncertain Significance.